The following is an entry in ClinVar:

NM_001378120.1(MBD5):c.1583G>A (p.Gly528Glu)

Gene: MBD5 (methyl-CpG binding domain protein 5; plus strand). Cytogenetic location: 2q23.1.
Variant type: single nucleotide variant.
Coding change: c.1583G>A on transcript NM_001378120.1 (MANE Select); coding-DNA position 1583, G replaced by A.
Protein change: p.Gly528Glu; replaces glycine 528 with glutamic acid.
Molecular consequence: missense variant.
Genome position (GRCh38, 1-based): chr2:148,469,526, G>A. VCF-style: chr2-148469526-G-A. GRCh37 (hg19) VCF-style: chr2-149227095-G-A.
Other names: c.1583G>A, p.Gly528Glu (NM_018328.5); short protein forms G528E.
Identifiers: ClinVar variation 999918 (VCV000999918.9), dbSNP rs1300246516, ClinGen allele CA348719996.

ClinVar aggregate classification (germline): Uncertain significance (1 of 4 stars; one submission).

Conditions:
Intellectual developmental disorder, autosomal dominant 1. Also called: Intellectual disability, autosomal dominant 1; MBD5 Haploinsufficiency. Identifiers: Orphanet 228402, MedGen C1969562, MONDO:0007974, OMIM 156200.

Allele frequency attached by ClinVar (database versions not stated): TOPMed below 0.00001; gnomAD exomes below 0.00001.

Submission:

Labcorp Genetics (formerly Invitae), Labcorp
Classification: Uncertain significance for Intellectual developmental disorder, autosomal dominant 1. Last evaluated: 2020-06-07. Review status: criteria provided, single submitter. Criteria: Invitae Variant Classification Sherloc (09022015). Collection method: clinical testing. Allele origin: germline.
Comment: This variant has not been reported in the literature in individuals with MBD5-related conditions. This variant is not present in population databases (ExAC no frequency). In summary, the available evidence is currently insufficient to determine the role of this variant in disease. Therefore, it has been classified as a Variant of Uncertain Significance. Algorithms developed to predict the effect of missense changes on protein structure and function (SIFT, PolyPhen-2, Align-GVGD) all suggest that this variant is likely to be disruptive, but these predictions have not been confirmed by published functional studies and their clinical significance is uncertain. This sequence change replaces glycine with glutamic acid at codon 528 of the MBD5 protein (p.Gly528Glu). The glycine residue is highly conserved and there is a moderate physicochemical difference between glycine and glutamic acid.